The following is an entry in ClinVar:

NM_001369.3(DNAH5):c.7810A>T (p.Met2604Leu)

Gene: DNAH5 (dynein axonemal heavy chain 5; minus strand). Cytogenetic location: 5p15.2.
Variant type: single nucleotide variant.
Coding change: c.7810A>T on transcript NM_001369.3 (MANE Select); coding-DNA position 7810, A replaced by T.
Protein change: p.Met2604Leu; replaces methionine 2604 with leucine.
Molecular consequence: missense variant.
Genome position (GRCh38, 1-based): chr5:13,807,668, T>A on the plus strand (A>T on the coding strand, the complement: DNAH5 is on the minus strand). VCF-style: chr5-13807668-T-A. GRCh37 (hg19) VCF-style: chr5-13807777-T-A.
Other names: short protein forms M2604L.
Identifiers: ClinVar variation 1940421 (VCV001940421.5), dbSNP rs2546793928, ClinGen allele CA359228366.
Genomic context (GRCh38, chr5:13,807,668, plus strand): 5'-TGGTTGCAGAAGAAAAATTCAGACTCTTGATCATGTGACATTCAGGATCATATTTTGACA[T>A]AAATCCTTTAATTATTACTGTTTTGGCTGTTCCTTGTTCACCAATTAATAGCACAGCCTA-3'
Protein context (NP_001360.1, residues 2594-2614): TAKTVIIKGF[Met2604Leu]SKYDPECHMI

ClinVar aggregate classification (germline): Uncertain significance (1 of 4 stars; one submission).

Conditions:
Primary ciliary dyskinesia. Also called: Ciliary dyskinesia. Identifiers: Orphanet 244, MedGen C0008780, MONDO:0016575, HP:0012265.

Allele frequency attached by ClinVar (database versions not stated): gnomAD exomes below 0.00001.
gnomAD v4.1: 2 of 1,610,902 alleles (0.00012%); highest among the groups gnomAD compares: Admixed American, 0.0033%; no homozygotes.

Submission:

Labcorp Genetics (formerly Invitae), Labcorp
Classification: Uncertain significance for Primary ciliary dyskinesia. Last evaluated: 2023-12-07. Review status: criteria provided, single submitter. Criteria: Invitae Variant Classification Sherloc (09022015). Collection method: clinical testing. Allele origin: germline.
Comment: This sequence change replaces methionine, which is neutral and non-polar, with leucine, which is neutral and non-polar, at codon 2604 of the DNAH5 protein (p.Met2604Leu). This variant is not present in population databases (gnomAD no frequency). This variant has not been reported in the literature in individuals affected with DNAH5-related conditions. ClinVar contains an entry for this variant (Variation ID: 1940421). Advanced modeling of protein sequence and biophysical properties (such as structural, functional, and spatial information, amino acid conservation, physicochemical variation, residue mobility, and thermodynamic stability) performed at Invitae indicates that this missense variant is not expected to disrupt DNAH5 protein function with a negative predictive value of 95%. In summary, the available evidence is currently insufficient to determine the role of this variant in disease. Therefore, it has been classified as a Variant of Uncertain Significance.